The following is an entry in ClinVar:

NM_004336.5(BUB1):c.2950T>C (p.Tyr984His)

Gene: BUB1 (BUB1 mitotic checkpoint serine/threonine kinase; minus strand). Cytogenetic location: 2q13.
Variant type: single nucleotide variant.
Coding change: c.2950T>C on transcript NM_004336.5 (MANE Select); coding-DNA position 2950, T replaced by C.
Protein change: p.Tyr984His; replaces tyrosine 984 with histidine.
Molecular consequence: missense variant.
Genome position (GRCh38, 1-based): chr2:110,641,039, A>G on the plus strand (T>C on the coding strand, the complement: BUB1 is on the minus strand). VCF-style: chr2-110641039-A-G. GRCh37 (hg19) VCF-style: chr2-111398616-A-G.
Other names: c.2890T>C, p.Tyr964His (NM_001278616.2); c.2779T>C, p.Tyr927His (NM_001278617.2); short protein forms Y927H, Y984H, Y964H.
Identifiers: ClinVar variation 2451257 (VCV002451257.2), dbSNP rs2467969986, ClinGen allele CA348088930.

ClinVar aggregate classification (germline): Uncertain significance (1 of 4 stars; one submission).

Allele frequency attached by ClinVar (database versions not stated): gnomAD exomes below 0.00001.
gnomAD v4.1: 1 of 1,569,730 alleles (0.000064%); highest among the groups gnomAD compares: Non-Finnish European, 0.000086%; no homozygotes.

Submission:

Ambry Genetics
Classification: Uncertain significance. Last evaluated: 2023-01-18. Review status: criteria provided, single submitter. Criteria: Ambry Variant Classification Scheme 2023. Collection method: clinical testing. Allele origin: germline.
Comment: The p.Y984H variant (also known as c.2950T>C), located in coding exon 23 of the BUB1 gene, results from a T to C substitution at nucleotide position 2950. The tyrosine at codon 984 is replaced by histidine, an amino acid with similar properties. This amino acid position is conserved. In addition, the in silico prediction for this alteration is inconclusive. Since supporting evidence is limited at this time, the clinical significance of this alteration remains unclear.